The following is an entry in ClinVar:

ClinVar aggregate classification (germline): Uncertain significance (1 of 4 stars; one submission).

Conditions:
Adenylosuccinate lyase deficiency (ADSLD). Also called: ADSL DEFICIENCY. Identifiers: Orphanet 46, MedGen C0268126, MONDO:0007068, OMIM 103050.

Allele frequency attached by ClinVar (database versions not stated): TOPMed below 0.00001.

Submission:

Labcorp Genetics (formerly Invitae), Labcorp
Classification: Uncertain significance for Adenylosuccinate lyase deficiency. Last evaluated: 2022-08-06. Review status: criteria provided, single submitter. Criteria: Invitae Variant Classification Sherloc (09022015). Collection method: clinical testing. Allele origin: germline.
Comment: In summary, the available evidence is currently insufficient to determine the role of this variant in disease. Therefore, it has been classified as a Variant of Uncertain Significance. Experimental studies and prediction algorithms are not available or were not evaluated, and the functional significance of this variant is currently unknown. This variant has not been reported in the literature in individuals affected with ADSL-related conditions. This variant is not present in population databases (gnomAD no frequency). This variant occurs in a non-coding region of the ADSL gene. It does not change the encoded amino acid sequence of the ADSL protein.

NC_000022.11:g.40346457G>A

Gene: ADSL (adenylosuccinate lyase; plus strand). Cytogenetic location: 22q13.1.
Variant type: single nucleotide variant.
Genome position: GRCh38 VCF-style: chr22-40346457-G-A. GRCh37 (hg19) VCF-style: chr22-40742461-G-A.
Identifiers: ClinVar variation 2022213 (VCV002022213.5), dbSNP rs2044139985, ClinGen allele CA2405715864.